The following is an entry in ClinVar:

ClinVar aggregate classification (germline): Uncertain significance. Review status: criteria provided, multiple submitters, no conflicts (2 of 4 stars). 2 submissions from 2 submitters: Uncertain significance (2). Last evaluated 2024-02-03.

Conditions:
TP63-Related Spectrum Disorders.
Ankyloblepharon-ectodermal defects-cleft lip/palate syndrome. Also called: Ankyloblepharon-ectodermal defects, cleft lip/palate; Hay-Wells syndrome of ectodermal dysplasia; AEC SYNDROME; Ankyloblepharon-Ectodermal Defects-Cleft Lip/Palate Syndrome (AEC Syndrome); HAY-WELLS SYNDROME. Identifiers: Orphanet 1071, MedGen C0406709, MONDO:0007124, OMIM 106260.
Rapp-Hodgkin syndrome (RHS). Also called: ECTODERMAL DYSPLASIA, ANHIDROTIC, WITH CLEFT LIP/PALATE; Rapp-Hodgkin ectodermal dysplasia syndrome; Isolated Cleft Lip/Cleft Palate (Orofacial Cleft 8). Identifiers: MedGen C1785148, MONDO:0007508, OMIM 129400.
Limb-mammary syndrome (LMS). Also called: Mammary hypoplasia, ectrodactyly, and other hand/foot anomalies. Identifiers: Orphanet 69085, MedGen C1863753, MONDO:0011334, OMIM 603543.
Orofacial cleft 8. Also called: Cleft lip with or without cleft palate, nonsyndromic, 8. Identifiers: MedGen C1851878, MONDO:0029145, OMIM 618149.
Ectrodactyly, ectodermal dysplasia, and cleft lip-palate syndrome 3. Also called: Ectrodactyly, Ectodermal Dysplasia, Cleft Lip/Palate Syndrome 3 (EEC3); Ectrodactyly, Ectodermal Dysplasia, Clefting Syndrome; EEC SYNDROME 3; Ectrodactyly, Ectodermal Dysplasia, Clefting Syndrome Type 3 (EEC3). Identifiers: Orphanet 1896, MedGen C1858562, MONDO:0011428, OMIM 604292.
Premature ovarian failure 21 (POF21). Identifiers: MedGen C5830399, MONDO:0957216, OMIM 620311.
ADULT syndrome. Also called: ACRO-DERMATO-UNGUAL-LACRIMAL-TOOTH SYNDROME; Acro-dermato-ungual-lacrimal-tooth (adult) syndrome; Acro-Dermo-Ungual-Lacrimal-Tooth Syndrome (ADULT Syndrome). Identifiers: Orphanet 978, MedGen C1863204, MONDO:0007072, OMIM 103285.
Split hand-foot malformation 4. Also called: Split-Hand/Foot Malformation Type 4 (SHFM4); Split-Hand/Foot Malformation Type 4 (SHFM4 syndrome). Identifiers: Orphanet 2440, MedGen C1854442, MONDO:0011535, OMIM 605289.

Allele frequency attached by ClinVar (database versions not stated): gnomAD exomes 0.00001; ExAC 0.00002.
gnomAD v4.1: 10 of 1,614,128 alleles (0.00062%); highest among the groups gnomAD compares: Non-Finnish European, 0.00076%; no homozygotes.

Submissions (2):

Fulgent Genetics
Classification: Uncertain significance for ADULT syndrome; Ankyloblepharon-ectodermal defects-cleft lip/palate syndrome; Rapp-Hodgkin syndrome; Limb-mammary syndrome; Ectrodactyly, ectodermal dysplasia, and cleft lip-palate syndrome 3; Split hand-foot malformation 4; Orofacial cleft 8; Premature ovarian failure 21. Last evaluated: 2024-02-03. Review status: criteria provided, single submitter. Criteria: ACMG Guidelines, 2015. Collection method: clinical testing. Allele origin: germline.

Labcorp Genetics (formerly Invitae), Labcorp
Classification: Uncertain significance. Last evaluated: 2023-10-05. Review status: criteria provided, single submitter. Criteria: Invitae Variant Classification Sherloc (09022015). Collection method: clinical testing. Allele origin: germline.
Comment: This sequence change replaces asparagine, which is neutral and polar, with serine, which is neutral and polar, at codon 381 of the TP63 protein (p.Asn381Ser). This variant is present in population databases (rs750431012, gnomAD 0.0009%). This variant has not been reported in the literature in individuals affected with TP63-related conditions. Advanced modeling of protein sequence and biophysical properties (such as structural, functional, and spatial information, amino acid conservation, physicochemical variation, residue mobility, and thermodynamic stability) has been performed at Invitae for this missense variant, however the output from this modeling did not meet the statistical confidence thresholds required to predict the impact of this variant on TP63 protein function. In summary, the available evidence is currently insufficient to determine the role of this variant in disease. Therefore, it has been classified as a Variant of Uncertain Significance.

NM_003722.5(TP63):c.1142A>G (p.Asn381Ser)

Gene: TP63 (tumor protein p63; plus strand). Cytogenetic location: 3q28.
Variant type: single nucleotide variant.
Coding change: c.1142A>G on transcript NM_003722.5 (MANE Select); coding-DNA position 1142, A replaced by G.
Protein change: p.Asn381Ser; replaces asparagine 381 with serine.
Molecular consequence: missense variant.
Genome position (GRCh38, 1-based): chr3:189,869,336, A>G. VCF-style: chr3-189869336-A-G. GRCh37 (hg19) VCF-style: chr3-189587125-A-G.
Other names: c.1142A>G, p.Asn381Ser (NM_001114978.2, NM_001114979.2, NM_001329144.2); c.860A>G, p.Asn287Ser (NM_001114980.2, NM_001114981.2, NM_001114982.2 and 1 more transcripts); c.605A>G, p.Asn202Ser (NM_001329146.2); c.1130A>G, p.Asn377Ser (NM_001329148.2); c.848A>G, p.Asn283Ser (NM_001329149.2); c.593A>G, p.Asn198Ser (NM_001329150.2); c.1136A>G, p.Asn379Ser (NM_001329964.2); short protein forms N202S, N379S, N198S, N377S, N381S, N283S, N287S.
Identifiers: ClinVar variation 2969776 (VCV002969776.3), dbSNP rs750431012, ClinGen allele CA2752365.
Genomic context (GRCh38, chr3:189,869,336, plus strand): 5'-TGCTTTAGAAGTGTTCCCAGGATGAAACTTGCATTTTTCCTCCACCAGCGTTTCGTCAGA[A>G]CACACATGGTATCCAGATGACATCCATCAAGAAACGAAGATCCCCAGATGATGAACTGTT-3'
Protein context (NP_003713.3, residues 371-391): GDGTKRPFRQ[Asn381Ser]THGIQMTSIK